The following is an entry in ClinVar:

ClinVar aggregate classification (germline): Uncertain significance. Review status: criteria provided, multiple submitters, no conflicts (2 of 4 stars). 3 submissions from 3 submitters: Uncertain significance (3). Last evaluated 2025-03-04.

Conditions:
Hereditary cancer-predisposing syndrome. Also called: Neoplastic Syndromes, Hereditary; Hereditary neoplastic syndrome; Tumor predisposition; Hereditary Cancer Syndrome. Identifiers: Orphanet 140162, MedGen C0027672, MeSH D009386, MONDO:0015356.
DICER1-related tumor predisposition. Also called: DICER1-related pleuropulmonary blastoma cancer predisposition syndrome; DICER1 syndrome. Identifiers: Orphanet 284343, MedGen C3839822, MONDO:0100216.

Allele frequency attached by ClinVar (database versions not stated): gnomAD exomes below 0.00001.
gnomAD v4.1: 1 of 1,614,192 alleles (0.000062%); highest among the groups gnomAD compares: Non-Finnish European, 0.000085%; no homozygotes.

Submissions (3):

Center for Genomic Medicine, Rigshospitalet, Copenhagen University Hospital
Classification: Uncertain significance. Last evaluated: 2025-03-04. Review status: criteria provided, single submitter. Criteria: ACMG Guidelines, 2015. Collection method: clinical testing. Allele origin: germline.

Ambry Genetics
Classification: Uncertain significance for Hereditary cancer-predisposing syndrome. Last evaluated: 2024-10-31. Review status: criteria provided, single submitter. Criteria: Ambry Variant Classification Scheme 2023. Collection method: clinical testing. Allele origin: germline.
Comment: The p.S1287P variant (also known as c.3859T>C), located in coding exon 20 of the DICER1 gene, results from a T to C substitution at nucleotide position 3859. The serine at codon 1287 is replaced by proline, an amino acid with similar properties. This amino acid position is conserved. In addition, this alteration is predicted to be tolerated by in silico analysis. Based on the available evidence, the clinical significance of this variant remains unclear.

Labcorp Genetics (formerly Invitae), Labcorp
Classification: Uncertain significance for DICER1-related tumor predisposition. Last evaluated: 2024-09-12. Review status: criteria provided, single submitter. Criteria: Invitae Variant Classification Sherloc (09022015). Collection method: clinical testing. Allele origin: germline.
Comment: This sequence change replaces serine, which is neutral and polar, with proline, which is neutral and non-polar, at codon 1287 of the DICER1 protein (p.Ser1287Pro). This variant is not present in population databases (gnomAD no frequency). This variant has not been reported in the literature in individuals affected with DICER1-related conditions. ClinVar contains an entry for this variant (Variation ID: 835798). Invitae Evidence Modeling of protein sequence and biophysical properties (such as structural, functional, and spatial information, amino acid conservation, physicochemical variation, residue mobility, and thermodynamic stability) indicates that this missense variant is not expected to disrupt DICER1 protein function with a negative predictive value of 80%. In summary, the available evidence is currently insufficient to determine the role of this variant in disease. Therefore, it has been classified as a Variant of Uncertain Significance.

NM_177438.3(DICER1):c.3859T>C (p.Ser1287Pro)

Gene: DICER1 (dicer 1, ribonuclease III; minus strand). Cytogenetic location: 14q32.13.
Variant type: single nucleotide variant.
Coding change: c.3859T>C on transcript NM_177438.3 (MANE Select); coding-DNA position 3859, T replaced by C.
Protein change: p.Ser1287Pro; replaces serine 1287 with proline.
Molecular consequence: missense variant.
Genome position (GRCh38, 1-based): chr14:95,103,537, A>G on the plus strand (T>C on the coding strand, the complement: DICER1 is on the minus strand). VCF-style: chr14-95103537-A-G. GRCh37 (hg19) VCF-style: chr14-95569874-A-G.
Other names: c.3859T>C, p.Ser1287Pro (NM_001195573.1, NM_001271282.3, NM_001291628.2 and 1 more transcripts); short protein forms S1287P.
Identifiers: ClinVar variation 835798 (VCV000835798.18), dbSNP rs373980178, ClinGen allele CA390873295.
Genomic context (GRCh38, chr14:95,103,537, plus strand): 5'-TAGCGTTTGACAGAGTCAAAGCCTGAAGAATAAGTCCAGGATTGGGGCCAAGAGTCCTTG[A>G]GGAGTACCCAATAGAAGGGCTCTGCTCAGAATCCATCCTGCCCTTGAGCACTTGAATAGT-3'
Protein context (NP_803187.1, residues 1277-1297): SEQSPSIGYS[Ser1287Pro]RTLGPNPGLI